The following is an entry in ClinVar:

ClinVar aggregate classification (germline): Uncertain significance (1 of 4 stars; one submission).

Submission:

Labcorp Genetics (formerly Invitae), Labcorp
Classification: Uncertain significance. Last evaluated: 2025-08-13. Review status: criteria provided, single submitter. Criteria: Invitae Variant Classification Sherloc (09022015). Collection method: clinical testing. Allele origin: germline.
Comment: This variant, c.1579_1620dup, results in the insertion of 14 amino acid(s) of the SCN3A protein (p.Glu527_Ser540dup), but otherwise preserves the integrity of the reading frame. This variant is not present in population databases (gnomAD no frequency). This variant has not been reported in the literature in individuals affected with SCN3A-related conditions. In summary, the available evidence is currently insufficient to determine the role of this variant in disease. Therefore, it has been classified as a Variant of Uncertain Significance.

NM_006922.4(SCN3A):c.1579_1620dup (p.Ser540_Met541insGluSerGluAspSerValLysArgSerSerPheLeuPheSer)

Gene: SCN3A (sodium voltage-gated channel alpha subunit 3; minus strand). Cytogenetic location: 2q24.3.
Variant type: Duplication.
Coding change: c.1579_1620dup on transcript NM_006922.4 (MANE Select); coding-DNA positions 1579 to 1620, 42 bases duplicated.
Protein change: p.Ser540_Met541insGluSerGluAspSerValLysArgSerSerPheLeuPheSer.
Molecular consequence: inframe insertion.
Genome position (GRCh38, 1-based): chr2:165,146,790-165,146,831, 42 bases duplicated; duplicating any 42 consecutive bases within chr2:165,146,790-165,146,834 gives the same sequence; the c. name uses the placement nearest the transcript's 3' end. GRCh37 (hg19): chr2:166,003,303-166,003,344.
Other names: c.1579_1620dup, p.Ser540_Met541insGluSerGluAspSerValLysArgSerSerPheLeuPheSer (NM_001081676.2, NM_001081677.2).
Identifiers: ClinVar variation 4725350 (VCV004725350.1).